The following is an entry in ClinVar:

NM_000440.3(PDE6A):c.2125G>A (p.Glu709Lys)

Gene: PDE6A (phosphodiesterase 6A; minus strand). Cytogenetic location: 5q32.
Variant type: single nucleotide variant.
Coding change: c.2125G>A on transcript NM_000440.3 (MANE Select); coding-DNA position 2125, G replaced by A.
Protein change: p.Glu709Lys; replaces glutamic acid 709 with lysine.
Molecular consequence: missense variant.
Genome position (GRCh38, 1-based): chr5:149,883,439, C>T on the plus strand (G>A on the coding strand, the complement: PDE6A is on the minus strand). VCF-style: chr5-149883439-C-T. GRCh37 (hg19) VCF-style: chr5-149263002-C-T.
Other names: short protein forms E709K.
Identifiers: ClinVar variation 840322 (VCV000840322.14), dbSNP rs148637474, ClinGen allele CA3504409.

ClinVar aggregate classification (germline): Uncertain significance. Review status: criteria provided, multiple submitters, no conflicts (2 of 4 stars). 7 submissions from 7 submitters: Uncertain significance (7). Last evaluated 2026-09-24.

Conditions:
Retinal dystrophy. Also called: Inherited retinal dystrophy. Identifiers: Orphanet 71862, MedGen C0854723, MeSH D058499, MONDO:0019118, HP:0000556.
Retinitis pigmentosa (RP). Identifiers: Orphanet 791, MedGen C0035334, MeSH D012174, MONDO:0019200, OMIM 268000. Inheritance: Autosomal dominant, autosomal recessive and X linked inheritance.
Retinitis pigmentosa 43 (RP43). Identifiers: Orphanet 791, MedGen C3151139, MONDO:0013437, OMIM 613810.
PDE6A-related disorder. Also called: PDE6A-related condition.

Allele frequency attached by ClinVar (database versions not stated): ESP Exome Variant Server 0.00015; gnomAD 0.00016; TOPMed 0.00017; gnomAD exomes 0.00023 and 0.00029; ExAC 0.00024.
gnomAD v4.1: 440 of 1,611,100 alleles (0.027%); highest among the groups gnomAD compares: Middle Eastern, 0.13%; 1 homozygote.

Submissions (7):

PreventionGenetics, part of Exact Sciences
Classification: Uncertain significance for PDE6A-related condition. Last evaluated: 2026-09-24. Review status: criteria provided, single submitter. Criteria: ACMG Guidelines, 2015. Collection method: clinical testing. Allele origin: germline.
Comment: The PDE6A c.2125G>A variant is predicted to result in the amino acid substitution p.Glu709Lys. This variant was reported on the same allele as another missense change (c.2368C>T, p.Arg790Cys) and opposite allele as a PDE6A frameshift variant (c.2318_2319del) in an individual with childhood onset rod-cone dystrophy (eTable 1 and eTable 5, Khateb et al. 2019. PubMed ID: 30998820). It was also reported in the homozygous state in an individual with retinitis pigmentosa (Supplemental Table 4, Panneman et al. 2023. PubMed ID: 36819107). This variant is reported in 0.038% of alleles in individuals of European (Non-Finnish) descent in gnomAD. Although we suspect that this variant may be pathogenic, at this time, the clinical significance of this variant is uncertain due to the absence of conclusive functional and genetic evidence.

Blueprint Genetics
Classification: Uncertain significance. Last evaluated: 2024-09-10. Review status: criteria provided, single submitter. Criteria: ACMG Guidelines, 2015. Collection method: clinical testing. Allele origin: germline.

Revvity Omics, Revvity
Classification: Uncertain significance for Retinitis pigmentosa 43. Last evaluated: 2024-03-07. Review status: criteria provided, single submitter. Criteria: ACMG Guidelines, 2015. Collection method: clinical testing. Allele origin: germline.

Labcorp Genetics (formerly Invitae), Labcorp
Classification: Uncertain significance. Last evaluated: 2023-11-13. Review status: criteria provided, single submitter. Criteria: Invitae Variant Classification Sherloc (09022015). Collection method: clinical testing. Allele origin: germline.
Comment: This sequence change replaces glutamic acid, which is acidic and polar, with lysine, which is basic and polar, at codon 709 of the PDE6A protein (p.Glu709Lys). This variant is present in population databases (rs148637474, gnomAD 0.04%). This missense change has been observed in individual(s) with clinical features of PDE6A-related conditions (PMID: 30998820, 36819107). ClinVar contains an entry for this variant (Variation ID: 840322). Advanced modeling of protein sequence and biophysical properties (such as structural, functional, and spatial information, amino acid conservation, physicochemical variation, residue mobility, and thermodynamic stability) performed at Invitae indicates that this missense variant is not expected to disrupt PDE6A protein function with a negative predictive value of 80%. In summary, the available evidence is currently insufficient to determine the role of this variant in disease. Therefore, it has been classified as a Variant of Uncertain Significance.

Fulgent Genetics
Classification: Uncertain significance for Retinitis pigmentosa 43. Last evaluated: 2022-04-14. Review status: criteria provided, single submitter. Criteria: ACMG Guidelines, 2015. Collection method: clinical testing. Allele origin: unknown.

Institute of Human Genetics, Univ. Regensburg, Univ. Regensburg
Classification: Uncertain significance for Retinal dystrophy. Last evaluated: 2022-01-01. Review status: criteria provided, single submitter. Criteria: ACMG Guidelines, 2015. Collection method: clinical testing. Allele origin: germline. Affected: yes.

Illumina Laboratory Services, Illumina
Classification: Uncertain significance for Retinitis pigmentosa. Last evaluated: 2018-01-13. Review status: criteria provided, single submitter. Criteria: ICSL Variant Classification Criteria 13 December 2019. Collection method: clinical testing. Allele origin: germline.

Literature cited by the submitters: PubMed 30998820 (cited by Labcorp Genetics (formerly Invitae), Labcorp and Institute of Human Genetics, Univ. Regensburg, Univ. Regensburg); PubMed 36819107 (cited by Labcorp Genetics (formerly Invitae), Labcorp and Institute of Human Genetics, Univ. Regensburg, Univ. Regensburg); PubMed 34426522 (cited by Institute of Human Genetics, Univ. Regensburg, Univ. Regensburg).